The following is an entry in ClinVar:

NM_000417.3(IL2RA):c.*888C>T

Gene: IL2RA (interleukin 2 receptor subunit alpha; minus strand). Cytogenetic location: 10p15.1.
Variant type: single nucleotide variant.
Coding change: c.*888C>T on transcript NM_000417.3 (MANE Select); 888 bases downstream of the stop codon, C replaced by T.
Molecular consequence: 3 prime UTR variant.
Genome position (GRCh38, 1-based): chr10:6,011,984, G>A on the plus strand (C>T on the coding strand, the complement: IL2RA is on the minus strand). VCF-style: chr10-6011984-G-A. GRCh37 (hg19) VCF-style: chr10-6053947-G-A.
Other names: c.*888C>T (NM_001308242.2, NM_001308243.2).
Identifiers: ClinVar variation 300236 (VCV000300236.5), dbSNP rs12722716, ClinGen allele CA10628745.

ClinVar aggregate classification (germline): Likely benign (1 of 4 stars; one submission).

Conditions:
Immunodeficiency due to CD25 deficiency. Also called: IMMUNODEFICIENCY 41 WITH LYMPHOPROLIFERATION AND AUTOIMMUNITY; CD25 DEFICIENCY; IL2RA DEFICIENCY. Identifiers: Orphanet 169100, MedGen C1853392, MONDO:0011664, OMIM 606367.

Allele frequency attached by ClinVar (database versions not stated): gnomAD 0.00221 and 0.00239; TOPMed 0.00255; 1000 Genomes Project 0.00260; 1000 Genomes Project 30x 0.00281.

Submission:

Illumina Laboratory Services, Illumina
Classification: Likely benign for Immunodeficiency due to CD25 deficiency. Last evaluated: 2018-01-13. Review status: criteria provided, single submitter. Criteria: ICSL Variant Classification Criteria 13 December 2019. Collection method: clinical testing. Allele origin: germline.
Comment: This variant was observed in the ICSL laboratory as part of a predisposition screen in an ostensibly healthy population. It had not been previously curated by ICSL or reported in the Human Gene Mutation Database (HGMD: prior to June 1st, 2018), and was therefore a candidate for classification through an automated scoring system. Utilizing variant allele frequency, disease prevalence and penetrance estimates, and inheritance mode, an automated score was calculated to assess if this variant is too frequent to cause the disease. Based on the score and internal cut-off values, a variant classified as likely benign is not then subjected to further curation. The score for this variant resulted in a classification of likely benign for this disease.